The following is an entry in ClinVar:

ClinVar aggregate classification (germline): Likely benign (1 of 4 stars; one submission).

gnomAD v4.1: 1 of 1,277,886 alleles (0.000078%); no homozygotes.

Submission:

CeGaT Center for Human Genetics Tuebingen
Classification: Likely benign. Last evaluated: 2024-12-01. Review status: criteria provided, single submitter. Criteria: CeGaT Center For Human Genetics Tuebingen Variant Classification Criteria Version 2. Collection method: clinical testing. Allele origin: germline. Affected: yes. Observed: 1 variant allele.
Comment: POU4F1: BP4, BP7

NM_006237.4(POU4F1):c.744C>G (p.Ala248=)

Genes: OBI1-AS1 (OBI1 antisense RNA 1; plus strand), POU4F1 (POU class 4 homeobox 1; minus strand). Cytogenetic location: 13q31.1.
Variant type: single nucleotide variant.
Coding change: c.744C>G on transcript NM_006237.4 (MANE Select); coding-DNA position 744, C replaced by G.
Protein change: p.Ala248=; no amino-acid change (alanine 248 retained).
Molecular consequence: synonymous variant.
Genome position (GRCh38, 1-based): chr13:78,601,931, G>C on the plus strand (C>G on the coding strand, the complement: POU4F1 is on the minus strand). VCF-style: chr13-78601931-G-C. GRCh37 (hg19) VCF-style: chr13-79176066-G-C.
Identifiers: ClinVar variation 3771472 (VCV003771472.13).